The following is an entry in ClinVar:

NM_000238.4(KCNH2):c.2533T>C (p.Tyr845His)

Gene: KCNH2 (potassium voltage-gated channel subfamily H member 2; minus strand). Cytogenetic location: 7q36.1.
Variant type: single nucleotide variant.
Coding change: c.2533T>C on transcript NM_000238.4 (MANE Select); coding-DNA position 2533, T replaced by C.
Protein change: p.Tyr845His; replaces tyrosine 845 with histidine.
Molecular consequence: missense variant. On other transcripts: non-coding transcript variant (2).
Genome position (GRCh38, 1-based): chr7:150,948,915, A>G on the plus strand (T>C on the coding strand, the complement: KCNH2 is on the minus strand). VCF-style: chr7-150948915-A-G. GRCh37 (hg19) VCF-style: chr7-150646003-A-G.
Other names: c.2245T>C, p.Tyr749His (NM_001406753.1); c.1513T>C, p.Tyr505His (NM_172057.3); short protein forms Y749H, Y505H, Y845H.
Identifiers: ClinVar variation 2773434 (VCV002773434.2), dbSNP rs2486015231, ClinGen allele CA369854911.

ClinVar aggregate classification (germline): Uncertain significance (1 of 4 stars; one submission).

Conditions:
Cardiac arrhythmia. Also called: Arrhythmia; Cardiac rhythm disease. Identifiers: MedGen C0003811, MONDO:0007263, HP:0011675.

gnomAD v4.1: 1 of 1,614,232 alleles (0.000062%); no homozygotes.

Submission:

Color Diagnostics, LLC DBA Color Health
Classification: Uncertain significance for Cardiac arrhythmia. Last evaluated: 2024-03-06. Review status: criteria provided, single submitter. Criteria: ACMG Guidelines, 2015. Collection method: clinical testing. Allele origin: germline.
Comment: This missense variant replaces tyrosine with histidine at codon 845 of the KCNH2 protein. Computational prediction suggests that this variant may have deleterious impact on protein structure and function (internally defined REVEL score threshold >= 0.7, PMID: 27666373). To our knowledge, functional studies have not been reported for this variant. This variant has not been reported in individuals affected with cardiovascular disorders in the literature. This variant has not been identified in the general population by the Genome Aggregation Database (gnomAD). The available evidence is insufficient to determine the role of this variant in disease conclusively. Therefore, this variant is classified as a Variant of Uncertain Significance.